The following is an entry in ClinVar:

NM_001963.6(EGF):c.1159G>A (p.Val387Ile)

Gene: EGF (epidermal growth factor; plus strand). Cytogenetic location: 4q25.
Variant type: single nucleotide variant.
Coding change: c.1159G>A on transcript NM_001963.6 (MANE Select); coding-DNA position 1159, G replaced by A.
Protein change: p.Val387Ile; replaces valine 387 with isoleucine.
Molecular consequence: missense variant.
Genome position (GRCh38, 1-based): chr4:109,960,959, G>A. VCF-style: chr4-109960959-G-A. GRCh37 (hg19) VCF-style: chr4-110882115-G-A.
Other names: c.1159G>A, p.Val387Ile (NM_001178130.3); c.1033G>A, p.Val345Ile (NM_001178131.3, NM_001357021.2); short protein forms V345I, V387I.
Identifiers: ClinVar variation 2119942 (VCV002119942.4), dbSNP rs1745594255, ClinGen allele CA357879574.
Genomic context (GRCh38, chr4:109,960,959, plus strand): 5'-TGTACTCTTGGGTGTAAAAACACCCCTGGATCCTATTACTGCACGTGCCCTGTAGGATTT[G>A]TTCTGCTTCCTGATGGGAAACGATGTCATCGTAAGTTATAGCAACAAGTATTTATTGCAT-3'
Protein context (NP_001954.2, residues 377-397): SYYCTCPVGF[Val387Ile]LLPDGKRCHQ

ClinVar aggregate classification (germline): Uncertain significance (1 of 4 stars; one submission).

Submission:

Labcorp Genetics (formerly Invitae), Labcorp
Classification: Uncertain significance. Last evaluated: 2022-10-17. Review status: criteria provided, single submitter. Criteria: Invitae Variant Classification Sherloc (09022015). Collection method: clinical testing. Allele origin: germline.
Comment: Algorithms developed to predict the effect of missense changes on protein structure and function output the following: SIFT: "Not Available"; PolyPhen-2: "Benign"; Align-GVGD: "Not Available". The isoleucine amino acid residue is found in multiple mammalian species, which suggests that this missense change does not adversely affect protein function. In summary, the available evidence is currently insufficient to determine the role of this variant in disease. Therefore, it has been classified as a Variant of Uncertain Significance. This variant has not been reported in the literature in individuals affected with EGF-related conditions. This sequence change replaces valine, which is neutral and non-polar, with isoleucine, which is neutral and non-polar, at codon 387 of the EGF protein (p.Val387Ile). This variant is not present in population databases (gnomAD no frequency).